The following is an entry in ClinVar:

NM_177438.3(DICER1):c.1319A>G (p.Asn440Ser)

Gene: DICER1 (dicer 1, ribonuclease III; minus strand). Cytogenetic location: 14q32.13.
Variant type: single nucleotide variant.
Coding change: c.1319A>G on transcript NM_177438.3 (MANE Select); coding-DNA position 1319, A replaced by G.
Protein change: p.Asn440Ser; replaces asparagine 440 with serine.
Molecular consequence: missense variant.
Genome position (GRCh38, 1-based): chr14:95,124,253, T>C on the plus strand (A>G on the coding strand, the complement: DICER1 is on the minus strand). VCF-style: chr14-95124253-T-C. GRCh37 (hg19) VCF-style: chr14-95590590-T-C.
Other names: c.1319A>G, p.Asn440Ser (NM_001195573.1, NM_001271282.3, NM_001291628.2 and 1 more transcripts); short protein forms N440S.
Identifiers: ClinVar variation 657358 (VCV000657358.17), dbSNP rs1595438165, ClinGen allele CA390886237.

ClinVar aggregate classification (germline): Conflicting classifications of pathogenicity. Review status: criteria provided, conflicting classifications (1 of 4 stars). 2 submissions from 2 submitters: Uncertain significance (1); Likely benign (1). Last evaluated 2025-11-25.

Conditions:
DICER1-related tumor predisposition. Also called: DICER1 syndrome; DICER1-related pleuropulmonary blastoma cancer predisposition syndrome. Identifiers: Orphanet 284343, MedGen C3839822, MONDO:0100216.
Hereditary cancer-predisposing syndrome. Also called: Neoplastic Syndromes, Hereditary; Hereditary neoplastic syndrome; Hereditary Cancer Syndrome; Tumor predisposition. Identifiers: Orphanet 140162, MedGen C0027672, MeSH D009386, MONDO:0015356.

Allele frequency attached by ClinVar (database versions not stated): gnomAD exomes below 0.00001.
gnomAD v4.1: 3 of 1,614,020 alleles (0.00019%); highest among the groups gnomAD compares: East Asian, 0.0022%; no homozygotes.

Submissions (2):

Labcorp Genetics (formerly Invitae), Labcorp
Classification: Uncertain significance for DICER1-related tumor predisposition. Last evaluated: 2025-11-25. Review status: criteria provided, single submitter. Criteria: Invitae Variant Classification Sherloc (09022015). Collection method: clinical testing. Allele origin: germline.
Comment: This sequence change replaces asparagine, which is neutral and polar, with serine, which is neutral and polar, at codon 440 of the DICER1 protein (p.Asn440Ser). This variant is not present in population databases (gnomAD no frequency). This variant has not been reported in the literature in individuals affected with DICER1-related conditions. ClinVar contains an entry for this variant (Variation ID: 657358). Invitae Evidence Modeling of protein sequence and biophysical properties (such as structural, functional, and spatial information, amino acid conservation, physicochemical variation, residue mobility, and thermodynamic stability) indicates that this missense variant is not expected to disrupt DICER1 protein function with a negative predictive value of 95%. In summary, the available evidence is currently insufficient to determine the role of this variant in disease. Therefore, it has been classified as a Variant of Uncertain Significance.

Ambry Genetics
Classification: Likely benign for Hereditary cancer-predisposing syndrome. Last evaluated: 2025-01-11. Review status: criteria provided, single submitter. Criteria: Ambry Variant Classification Scheme 2023. Collection method: clinical testing. Allele origin: germline.